The following is an entry in ClinVar:

NM_001378615.1(CC2D2A):c.3055C>T (p.Arg1019Ter)

Genes: CC2D2A (coiled-coil and C2 domain containing 2A; plus strand), FBXL5 (F-box and leucine rich repeat protein 5; minus strand). Cytogenetic location: 4p15.32.
Variant type: single nucleotide variant.
Coding change: c.3055C>T on transcript NM_001378615.1 (MANE Select); coding-DNA position 3055, C replaced by T.
Protein change: p.Arg1019Ter; replaces arginine 1019 with a stop codon.
Molecular consequence: nonsense.
Genome position (GRCh38, 1-based): chr4:15,563,395, C>T. VCF-style: chr4-15563395-C-T. GRCh37 (hg19) VCF-style: chr4-15565018-C-T.
Other names: c.3055C>T, p.Arg1019Ter (NM_001080522.2); c.2908C>T, p.Arg970Ter (NM_001378617.1); short protein forms R1019*, R970*.
Identifiers: ClinVar variation 217602 (VCV000217602.60), dbSNP rs370880399, ClinGen allele CA210269.

ClinVar aggregate classification (germline): Pathogenic/Likely pathogenic. Review status: criteria provided, multiple submitters, no conflicts (2 of 4 stars). 14 submissions from 13 submitters: Pathogenic (11); Likely pathogenic (2). 1 of the submissions does not count toward it. Last evaluated 2026-10-21.

Conditions:
Joubert syndrome 9 (JBTS9). Identifiers: Orphanet 2318, MedGen C2676788, MONDO:0012849, OMIM 612285.
COACH syndrome 2. Identifiers: MedGen C5436837, MONDO:0030859, OMIM 619111.
Meckel syndrome, type 6. Identifiers: Orphanet 564, MedGen C2676790, MONDO:0012848, OMIM 612284.
Retinitis pigmentosa 93. Identifiers: MedGen C5676970, MONDO:0030797, OMIM 619845.
CC2D2A-related disorder. Also called: CC2D2A-related disorders; CC2D2A-related condition. Identifiers: MedGen CN239313.
Joubert syndrome. Also called: Familial aplasia of the vermis; JOUBERT-BOLTSHAUSER SYNDROME. Identifiers: Orphanet 475, MedGen C5979921, MONDO:0018772.
Meckel-Gruber syndrome. Also called: Dysencephalia splachnocystica; DYSENCEPHALIA SPLANCHNOCYSTICA; GRUBER SYNDROME. Identifiers: Orphanet 564, MedGen C0265215, MONDO:0018921.
COACH syndrome 1. Identifiers: Orphanet 1454, MedGen C5435651, MONDO:0800103, OMIM 216360, MONDO:0008996.
Joubert syndrome and related disorders. Identifiers: Orphanet 140874, MedGen C5679612, MONDO:0015369.

Allele frequency attached by ClinVar (database versions not stated): gnomAD exomes 0.00005 and 0.00010; gnomAD 0.00009 and 0.00011; TOPMed 0.00009; ExAC 0.00015; ESP Exome Variant Server 0.00025.
gnomAD v4.1: 95 of 1,606,748 alleles (0.0059%); highest among the groups gnomAD compares: Middle Eastern, 0.016%; no homozygotes.

Submissions (15):

GeneDx
Classification: Pathogenic. Last evaluated: 2026-10-21. Review status: criteria provided, single submitter. Criteria: GeneDx Variant Classification Process June 2021. Collection method: clinical testing. Allele origin: germline.
Comment: Nonsense variant predicted to result in protein truncation or nonsense mediated decay in a gene for which loss of function is a known mechanism of disease; This variant is associated with the following publications: (PMID: 25525159, 27081510, 19466712, 22241855, 26092869, 31589614, 33486889, 18950740, 29165578, 31964843)

PreventionGenetics, part of Exact Sciences
Classification: Pathogenic for CC2D2A-related condition. Last evaluated: 2026-08-10. Review status: criteria provided, single submitter. Criteria: ACMG Guidelines, 2015. Collection method: clinical testing. Allele origin: germline.
Comment: The CC2D2A c.3055C>T variant is predicted to result in premature protein termination (p.Arg1019*). This variant has been reported in multiple individuals with Joubert syndrome (Gorden et al. 2008. PubMed ID: 18950740; Bachmann-Gagescu et al. 2015. PubMed ID: 26092869). Taken together, we interpret this variant as pathogenic.

Women's Health and Genetics/Laboratory Corporation of America, LabCorp
Classification: Pathogenic for Meckel syndrome, type 6. Last evaluated: 2026-01-19. Review status: criteria provided, single submitter. Criteria: LabCorp Variant Classification Summary - May 2015. Collection method: clinical testing. Allele origin: germline.
Comment: Variant summary: CC2D2A c.3055C>T (p.Arg1019X) results in a premature termination codon, predicted to cause a truncation of the encoded protein or absence of the protein due to nonsense mediated decay, which are commonly known mechanisms for disease. The variant allele was found at a frequency of 0.0001 in 236182 control chromosomes. This frequency is not significantly higher than estimated for disease-causing variants in CC2D2A, allowing no conclusion about variant significance. c.3055C>T has been observed in individual(s) affected with Meckel Syndrome Type 6 (e.g. Gorden_2008, Fleming_2017). To our knowledge, no experimental evidence demonstrating an impact on protein function has been reported. The following publications have been ascertained in the context of this evaluation (PMID: 18950740, 29146704). ClinVar contains an entry for this variant (Variation ID: 217602). Based on the evidence outlined above, the variant was classified as pathogenic.

Labcorp Genetics (formerly Invitae), Labcorp
Classification: Pathogenic for Joubert syndrome; Meckel-Gruber syndrome. Last evaluated: 2026-01-09. Review status: criteria provided, single submitter. Criteria: Invitae Variant Classification Sherloc (09022015). Collection method: clinical testing. Allele origin: germline.
Comment: This sequence change creates a premature translational stop signal (p.Arg1019*) in the CC2D2A gene. It is expected to result in an absent or disrupted protein product. Loss-of-function variants in CC2D2A are known to be pathogenic (PMID: 19777577). This variant is present in population databases (rs370880399, gnomAD 0.2%). This premature translational stop signal has been observed in individual(s) with Joubert syndrome (PMID: 18950740, 22241855, 26092869, 27082236). ClinVar contains an entry for this variant (Variation ID: 217602). For these reasons, this variant has been classified as Pathogenic.

Cytogenetics and Genomics Lab, Cyprus Institute Of Neurology and Genetics
Classification: Likely pathogenic for Meckel syndrome, type 6. Last evaluated: 2024-07-20. Review status: criteria provided, single submitter. Criteria: ACGS Guidelines, 2020. Collection method: research. Allele origin: paternal. Affected: yes.
Comment: This is a null variant in a gene where loss-of-function is a known mechnism of disease (PVS1_very strong). It is found in extremely low frequency in gnomAD population database (PM2_supporting). Found in monochorionic diamniotic twins.

Fulgent Genetics
Classification: Pathogenic for Meckel syndrome, type 6; Joubert syndrome 9; COACH syndrome 2; Retinitis pigmentosa 93. Last evaluated: 2024-03-20. Review status: criteria provided, single submitter. Criteria: ACMG Guidelines, 2015. Collection method: clinical testing. Allele origin: germline.

Myriad Genetics, Inc.
Classification: Pathogenic for Joubert syndrome and related disorders. Last evaluated: 2024-03-01. Review status: criteria provided, single submitter. Criteria: Myriad Autosomal Dominant, Autosomal Recessive and X-Linked Classification Criteria (2023). Collection method: clinical testing. Allele origin: unknown.
Comment: NM_001080522.2(CC2D2A):c.3055C>T(R1019*) is expected to be pathogenic in the context of CC2D2A-related disorders. This variant is predicted to lead to an abnormal or absent protein product due to the creation of a premature termination codon in CC2D2A, a gene where loss-of-function variants are known to be pathogenic. Please note: this variant was assessed in the context of healthy population screening.

Neurometabolic Diseases Laboratory, Bellvitge Biomedical Research Institute (IDIBELL)
Classification: Pathogenic for Joubert syndrome 9. Last evaluated: 2023-04-27. Review status: criteria provided, single submitter. Criteria: ACMG Guidelines, 2015. Collection method: research. Allele origin: germline. Affected: yes.

Baylor Genetics
Classification: Pathogenic for Joubert syndrome 9. Last evaluated: 2021-05-28. Review status: criteria provided, single submitter. Criteria: ACMG Guidelines, 2015. Collection method: clinical testing. Allele origin: unknown.

Blueprint Genetics
Classification: Pathogenic for CC2D2A-related disorders. Last evaluated: 2021-04-01. Review status: criteria provided, single submitter. Criteria: ACMG Guidelines, 2015. Collection method: clinical testing. Allele origin: germline. Affected: yes. Observed: 5 variant alleles.

Illumina Laboratory Services, Illumina
Classification: Likely pathogenic for CC2D2A-Related Disorders. Last evaluated: 2018-11-30. Review status: criteria provided, single submitter. Criteria: ICSL Variant Classification Criteria 09 May 2019. Collection method: clinical testing. Allele origin: germline.
Comment: The CC2D2A c.3055C>T (p.Arg1019Ter) variant is a stop-gained variant that is predicted to cause premature truncation of the protein. This variant has been identified in at least four probands with Joubert syndrome, including in three in a compound heterozygous state with a missense variant and in one in a heterozygous state where a second variant was not detected (Gorden et al. 2008; Bachmann-Gagescu et al. 2012; Bachmann-Gagescu et al. 2015). The p.Arg1019Ter variant has also been reported in a homozygous state as a result of a different nucleotide substitution in one individual with Joubert syndrome (Ben-Salem et al. 2014). Control data are unavailable for this variant which is reported at a frequency of 0.00025 in the total population of the Exome Sequencing Project. Based on the evidence and due to the potential impact of stop-gained variants, the p.Arg1019Ter variant is classified as likely pathogenic for CC2D2A-related disorders. This variant was observed by ICSL as part of a predisposition screen in an ostensibly healthy population.

Fulgent Genetics
Classification: Pathogenic for COACH syndrome 1; Meckel syndrome, type 6; Joubert syndrome 9. Last evaluated: 2018-10-31. Review status: criteria provided, single submitter. Criteria: ACMG Guidelines, 2015. Collection method: clinical testing. Allele origin: unknown.

UW Hindbrain Malformation Research Program, University of Washington
Classification: Pathogenic for Joubert syndrome 9. Last evaluated: 2015-02-23. Review status: criteria provided, single submitter. Criteria: Bachmann-Gagescu et al. (J Med Genet. 2015). Collection method: research. Allele origin: unknown. Affected: yes.

Department of Pathology and Laboratory Medicine, Sinai Health System
Classification: Pathogenic. Review status: no assertion criteria provided. Collection method: clinical testing. Allele origin: unknown. Affected: yes. Study: The Canadian Open Genetics Repository (COGR). Not counted in ClinVar's aggregate classification.
Comment: The CC2D2A p.R1019* variant was identified in the heterozygous or compound heterozygous state in 4 of 194 families with Joubert syndrome and related disorders (Gorden_2008_PMID:18950740; Bachmann-Gagescu_2012_PMID:22241855). The variant was identified in dbSNP (ID: rs370880399) and ClinVar (classified as pathogenic by Invitae, GeneDx, Fulgent Genetics, UW Hindbrain Malformation Research Program, University of Washington and as likely pathogenic by Illumina). The variant was identified in control databases in 26 of 267576 chromosomes at a frequency of 0.00009717 (Genome Aggregation Database March 6, 2019, v2.1.1). The variant was observed in the following populations: Ashkenazi Jewish in 14 of 10098 chromosomes (freq: 0.001386), Other in 2 of 6912 chromosomes (freq: 0.000289), African in 2 of 23072 chromosomes (freq: 0.000087), Latino in 2 of 33894 chromosomes (freq: 0.000059), European (non-Finnish) in 5 of 121798 chromosomes (freq: 0.000041) and South Asian in 1 of 28914 chromosomes (freq: 0.000035), but was not observed in the East Asian or European (Finnish) populations. The c.3055C>T variant leads to a premature stop codon at position 1019 which is predicted to lead to a truncated or absent protein and loss of function. Loss of function variants of the CC2D2A gene are an established mechanism of disease in Joubert syndrome and related disorders and is the type of variant expected to cause the disorder when found in the homozygous or compound heterozygous state. The variant occurs outside of the splicing consensus sequence and in silico or computational prediction software programs (SpliceSiteFinder, MaxEntScan, NNSPLICE, GeneSplicer) do not predict a difference in splicing. In summary, based on the above information this variant meets our laboratoryâ€šÃ„Ã´s criteria to be classified as pathogenic.

Dr. Peter K. Rogan Lab, Western University
No classification provided (evidence only). Condition: Clear cell carcinoma of kidney. Review status: no classification provided. Collection method: in vitro. Allele origin: not applicable. Functional consequence: retained intron. Not counted in ClinVar's aggregate classification.

Literature cited by the submitters: PubMed 29146704 (cited by Women's Health and Genetics/Laboratory Corporation of America, LabCorp); PubMed 18950740 (cited by 3 submitters); PubMed 19777577 (cited by Labcorp Genetics (formerly Invitae), Labcorp); PubMed 22241855 (cited by Labcorp Genetics (formerly Invitae), Labcorp and Illumina Laboratory Services, Illumina); PubMed 26092869 (cited by Labcorp Genetics (formerly Invitae), Labcorp and Illumina Laboratory Services, Illumina); PubMed 27082236 (cited by Labcorp Genetics (formerly Invitae), Labcorp); PubMed 27081510 (cited by Illumina Laboratory Services, Illumina).